The following is an entry in ClinVar:

ClinVar aggregate classification (germline): Pathogenic (1 of 4 stars; one submission).

Conditions:
Myopathy, lactic acidosis, and sideroblastic anemia 1 (MLASA1). Identifiers: Orphanet 2598, MedGen C4551958, MONDO:0024553, OMIM 600462.

Submission:

Myriad Genetics, Inc.
Classification: Pathogenic for Myopathy, lactic acidosis, and sideroblastic anemia 1. Last evaluated: 2023-09-27. Review status: criteria provided, single submitter. Criteria: Myriad Autosomal Dominant, Autosomal Recessive and X-Linked Classification Criteria (2023). Collection method: clinical testing. Allele origin: unknown.
Comment: NM_025215.5(PUS1):c.164dupG(D56Rfs*58) is expected to be pathogenic in the context of myopathy, lactic acidosis, and sideroblastic anemia 1. This variant is predicted to lead to an abnormal or absent protein product due to the creation of a premature termination codon in PUS1, a gene where loss-of-function variants are known to be pathogenic. Please note: this variant was assessed in the context of healthy population screening.

NM_025215.6(PUS1):c.164dup (p.Asp56fs)

Genes: PUS1 (pseudouridine synthase 1; plus strand), LOC130009240 (ATAC-STARR-seq lymphoblastoid silent region 5107; plus strand). Cytogenetic location: 12q24.33.
Variant type: Duplication.
Coding change: c.164dup on transcript NM_025215.6 (MANE Select); coding-DNA position 164, one base duplicated (G; older notation c.164dupG).
Protein change: p.Asp56fs; shifts the reading frame from aspartic acid 56.
Molecular consequence: frameshift variant.
Genome position (GRCh38, 1-based): chr12:131,929,996, G duplicated; the last of 5 consecutive G bases (chr12:131,929,992-131,929,996); duplicating any one gives the same sequence. VCF-style (leftmost placement, unchanged base first): chr12-131929991-C-CG. GRCh37 (hg19) VCF-style: chr12-132414536-C-CG.
Other names: c.80dup, p.Asp28fs (NM_001002019.3, NM_001002020.3); short protein forms D28fs, D56fs.
Identifiers: ClinVar variation 5012061 (VCV005012061.1).
Genomic context (GRCh38, chr12:131,929,991, plus strand): 5'-GGAGCCGCCGCCCGCCGGAGCCGCATGCCCCCAGGACCGGAGGTCCTGCAGCGGCCGGGC[C>CG]GGGGGCGACCGCGTCTGGGAGGACGGAGAACATCCGGCGAAGAAGCTCAAGAGCGGTGGC-3'